The following is an entry in ClinVar:

NM_020821.3(VPS13C):c.10816A>G (p.Ile3606Val)

Gene: VPS13C (vacuolar protein sorting 13 homolog C; minus strand). Cytogenetic location: 15q22.2.
Variant type: single nucleotide variant.
Coding change: c.10816A>G on transcript NM_020821.3 (MANE Select); coding-DNA position 10816, A replaced by G.
Protein change: p.Ile3606Val; replaces isoleucine 3606 with valine.
Molecular consequence: missense variant.
Genome position (GRCh38, 1-based): chr15:61,868,706, T>C on the plus strand (A>G on the coding strand, the complement: VPS13C is on the minus strand). VCF-style: chr15-61868706-T-C. GRCh37 (hg19) VCF-style: chr15-62160905-T-C.
Other names: c.10816A>G, p.Ile3606Val (NM_001018088.3); c.10687A>G, p.Ile3563Val (NM_017684.5, NM_018080.4); short protein forms I3563V, I3606V.
Identifiers: ClinVar variation 2076503 (VCV002076503.4), dbSNP rs2547798901, ClinGen allele CA392668463.
Genomic context (GRCh38, chr15:61,868,706, plus strand): 5'-GAACAAAATTTACCTCAAGTAAGTCAGAGCCCTCAGATTCCTGTCTGTCATAAGGACGAA[T>C]GATGCCATCTTCATGGATCAGGCGAGGGGGACGGAGGCTAGATACTTCCTCAGTTGATTC-3'
Protein context (NP_065872.1, residues 3596-3616): PPRLIHEDGI[Ile3606Val]RPYDRQESEG

ClinVar aggregate classification (germline): Uncertain significance (1 of 4 stars; one submission).

Allele frequency attached by ClinVar (database versions not stated): gnomAD exomes below 0.00001.
gnomAD v4.1: 1 of 1,614,162 alleles (0.000062%); highest among the groups gnomAD compares: Non-Finnish European, 0.000085%; no homozygotes.

Submission:

Labcorp Genetics (formerly Invitae), Labcorp
Classification: Uncertain significance. Last evaluated: 2022-05-14. Review status: criteria provided, single submitter. Criteria: Invitae Variant Classification Sherloc (09022015). Collection method: clinical testing. Allele origin: germline.
Comment: This sequence change replaces isoleucine, which is neutral and non-polar, with valine, which is neutral and non-polar, at codon 3606 of the VPS13C protein (p.Ile3606Val). This variant is not present in population databases (gnomAD no frequency). This variant has not been reported in the literature in individuals affected with VPS13C-related conditions. Algorithms developed to predict the effect of missense changes on protein structure and function (SIFT, PolyPhen-2, Align-GVGD) all suggest that this variant is likely to be tolerated. In summary, the available evidence is currently insufficient to determine the role of this variant in disease. Therefore, it has been classified as a Variant of Uncertain Significance.